The following is an entry in ClinVar:

ClinVar aggregate classification (germline): Uncertain significance (1 of 4 stars; one submission).

gnomAD v4.1: 1 of 1,613,320 alleles (0.000062%); highest among the groups gnomAD compares: Non-Finnish European, 0.000085%; no homozygotes.

Submission:

Labcorp Genetics (formerly Invitae), Labcorp
Classification: Uncertain significance. Last evaluated: 2026-01-27. Review status: criteria provided, single submitter. Criteria: Invitae Variant Classification Sherloc (09022015). Collection method: clinical testing. Allele origin: germline.
Comment: This sequence change creates a premature translational stop signal (p.Gln1035*) in the GUCY2C gene. While this is not anticipated to result in nonsense mediated decay, it is expected to disrupt the last 39 amino acid(s) of the GUCY2C protein. This variant is not present in population databases (gnomAD no frequency). This variant has not been reported in the literature in individuals affected with GUCY2C-related conditions. Algorithms developed to predict the effect of sequence changes on RNA splicing suggest that this variant may disrupt the consensus splice site. In summary, the available evidence is currently insufficient to determine the role of this variant in disease. Therefore, it has been classified as a Variant of Uncertain Significance.

NM_004963.4(GUCY2C):c.3103C>T (p.Gln1035Ter)

Genes: GUCY2C (guanylate cyclase 2C; minus strand), PLBD1-AS1 (PLBD1 antisense RNA 1; plus strand). Cytogenetic location: 12p12.3.
Variant type: single nucleotide variant.
Coding change: c.3103C>T on transcript NM_004963.4 (MANE Select); coding-DNA position 3103, C replaced by T.
Protein change: p.Gln1035Ter; replaces glutamine 1035 with a stop codon.
Molecular consequence: nonsense.
Genome position (GRCh38, 1-based): chr12:14,613,236, G>A on the plus strand (C>T on the coding strand, the complement: GUCY2C is on the minus strand). VCF-style: chr12-14613236-G-A. GRCh37 (hg19) VCF-style: chr12-14766170-G-A.
Other names: short protein forms Q1035*.
Identifiers: ClinVar variation 4736001 (VCV004736001.1).